The following is an entry in ClinVar:

NM_003664.5(AP3B1):c.1973_1983dup (p.Pro662fs)

Gene: AP3B1 (adaptor related protein complex 3 subunit beta 1; minus strand). Cytogenetic location: 5q14.1.
Variant type: Duplication.
Coding change: c.1973_1983dup on transcript NM_003664.5 (MANE Select); coding-DNA positions 1973 to 1983, 11 bases duplicated (AAGAATGGACC).
Protein change: p.Pro662fs; shifts the reading frame from proline 662.
Molecular consequence: frameshift variant.
Genome position (GRCh38, 1-based): chr5:78,116,220-78,116,230, GGTCCATTCTT duplicated on the plus strand (AAGAATGGACC on the coding strand, the reverse complement: AP3B1 is on the minus strand). VCF-style (leftmost placement, unchanged base first): chr5-78116219-G-GGGTCCATTCTT. GRCh37 (hg19) VCF-style: chr5-77412043-G-GGGTCCATTCTT.
Other names: c.1826_1836dup, p.Pro613fs (NM_001271769.2); c.1973_1983dup, p.Pro662fs (NM_001410752.1); short protein forms P613fs, P662fs.
Identifiers: ClinVar variation 2698780 (VCV002698780.3), dbSNP rs2530967790, ClinGen allele CA2697547241.

ClinVar aggregate classification (germline): Pathogenic (1 of 4 stars; one submission).

Conditions:
Hermansky-Pudlak syndrome 2 (HPS2). Also called: Platelet defects and oculocutaneous albinism. Identifiers: Orphanet 183678, Orphanet 79430, MedGen C1842362, MONDO:0011997, OMIM 608233.

Submission:

Labcorp Genetics (formerly Invitae), Labcorp
Classification: Pathogenic for Hermansky-Pudlak syndrome 2. Last evaluated: 2024-04-29. Review status: criteria provided, single submitter. Criteria: Invitae Variant Classification Sherloc (09022015). Collection method: clinical testing. Allele origin: germline.
Comment: This sequence change creates a premature translational stop signal (p.Pro662Lysfs*77) in the AP3B1 gene. It is expected to result in an absent or disrupted protein product. Loss-of-function variants in AP3B1 are known to be pathogenic (PMID: 16507770, 23403622). This variant is not present in population databases (gnomAD no frequency). This variant has not been reported in the literature in individuals affected with AP3B1-related conditions. For these reasons, this variant has been classified as Pathogenic.

Literature cited by the submitters: PubMed 16507770; PubMed 23403622.